The following is an entry in ClinVar:

ClinVar aggregate classification (germline): Uncertain significance (1 of 4 stars; one submission).

Conditions:
Hereditary cancer-predisposing syndrome. Also called: Neoplastic Syndromes, Hereditary; Tumor predisposition; Hereditary Cancer Syndrome; Hereditary neoplastic syndrome. Identifiers: Orphanet 140162, MedGen C0027672, MeSH D009386, MONDO:0015356.

Submission:

Ambry Genetics
Classification: Uncertain significance for Hereditary cancer-predisposing syndrome. Last evaluated: 2026-05-21. Review status: criteria provided, single submitter. Criteria: Ambry Variant Classification Scheme 2023. Collection method: clinical testing. Allele origin: germline.
Comment: The p.L174P variant (also known as c.521T>C), located in coding exon 5 of the ATM gene, results from a T to C substitution at nucleotide position 521. The leucine at codon 174 is replaced by proline, an amino acid with similar properties. In an assay testing ATM function, this variant showed a functionally normal result (Lee KS et al. Cell, 2025 Sep;188:5081-5099.e27). This amino acid position is well conserved in available vertebrate species. In addition, the in silico prediction for this alteration is inconclusive. Based on the available evidence, the clinical significance of this variant remains unclear.

Literature cited by the submitters: PubMed 40580951.

NM_000051.4(ATM):c.521T>C (p.Leu174Pro)

Gene: ATM (ATM serine/threonine kinase; plus strand). Cytogenetic location: 11q22.3.
Variant type: single nucleotide variant.
Coding change: c.521T>C on transcript NM_000051.4 (MANE Select); coding-DNA position 521, T replaced by C.
Protein change: p.Leu174Pro; replaces leucine 174 with proline.
Molecular consequence: missense variant.
Genome position (GRCh38, 1-based): chr11:108,243,977, T>C. VCF-style: chr11-108243977-T-C. GRCh37 (hg19) VCF-style: chr11-108114704-T-C.
Other names: c.521T>C, p.Leu174Pro (NM_001351834.2); short protein forms L174P.
Identifiers: ClinVar variation 4866928 (VCV004866928.1).